The following is an entry in ClinVar:

ClinVar aggregate classification (germline): Pathogenic (1 of 4 stars; one submission).

Conditions:
Hereditary cancer-predisposing syndrome. Also called: Neoplastic Syndromes, Hereditary; Tumor predisposition; Hereditary Cancer Syndrome; Hereditary neoplastic syndrome. Identifiers: Orphanet 140162, MedGen C0027672, MeSH D009386, MONDO:0015356.

Submission:

Ambry Genetics
Classification: Pathogenic for Hereditary cancer-predisposing syndrome. Last evaluated: 2022-01-27. Review status: criteria provided, single submitter. Criteria: Ambry Variant Classification Scheme 2023. Collection method: clinical testing. Allele origin: germline.
Comment: The c.666delT pathogenic mutation, located in coding exon 7 of the BRCA2 gene, results from a deletion of one nucleotide at nucleotide position 666, causing a translational frameshift with a predicted alternate stop codon (p.H223Mfs*7). This variant is considered to be rare based on population cohorts in the Genome Aggregation Database (gnomAD). This alteration is expected to result in loss of function by premature protein truncation or nonsense-mediated mRNA decay. As such, this alteration is interpreted as a disease-causing mutation.

NM_000059.4(BRCA2):c.666del (p.His223fs)

Gene: BRCA2 (BRCA2 DNA repair associated; plus strand). Cytogenetic location: 13q13.1.
Variant type: Deletion.
Coding change: c.666del on transcript NM_000059.4 (MANE Select); coding-DNA position 666, one base deleted (T; older notation c.666delT).
Protein change: p.His223fs; shifts the reading frame from histidine 223.
Molecular consequence: frameshift variant.
Genome position (GRCh38, 1-based): chr13:32,329,477, T deleted. VCF-style (leftmost placement, unchanged base first): chr13-32329476-CT-C. GRCh37 (hg19) VCF-style: chr13-32903613-CT-C.
Other names: c.666delT, p.His223Metfs (NM_001406719.1, NM_001406720.1, NM_001406721.1); c.297delT, p.His100Metfs (NM_001406722.1); short protein forms H223fs.
Identifiers: ClinVar variation 1754785 (VCV001754785.2), dbSNP rs2548517031, ClinGen allele CA2580087056.